The following is an entry in ClinVar:

NM_001330078.2(NRXN1):c.2514T>G (p.Asp838Glu)

Gene: NRXN1 (neurexin 1; minus strand). Cytogenetic location: 2p16.3.
Variant type: single nucleotide variant.
Coding change: c.2514T>G on transcript NM_001330078.2 (MANE Select); coding-DNA position 2514, T replaced by G.
Protein change: p.Asp838Glu; replaces aspartic acid 838 with glutamic acid.
Molecular consequence: missense variant.
Genome position (GRCh38, 1-based): chr2:50,497,698, A>C on the plus strand (T>G on the coding strand, the complement: NRXN1 is on the minus strand). VCF-style: chr2-50497698-A-C. GRCh37 (hg19) VCF-style: chr2-50724836-A-C.
Other names: c.2634T>G, p.Asp878Glu (NM_001135659.3); c.2490T>G, p.Asp830Glu (NM_001330077.2, NM_001330082.2); c.2448T>G, p.Asp816Glu (NM_001330083.2, NM_001330084.2); c.2487T>G, p.Asp829Glu (NM_001330085.2); c.2514T>G, p.Asp838Glu (NM_001330086.2, NM_004801.6); c.2403T>G, p.Asp801Glu (NM_001330087.2, NM_001330096.2); c.2433T>G, p.Asp811Glu (NM_001330088.2); c.2511T>G, p.Asp837Glu (NM_001330093.2); and 2 more; short protein forms D801E, D811E, D816E, D821E, D829E, D830E, D834E, D837E.
Identifiers: ClinVar variation 3366171 (VCV003366171.1).

ClinVar aggregate classification (germline): Uncertain significance (1 of 4 stars; one submission).

Submission:

GeneDx
Classification: Uncertain significance. Last evaluated: 2023-10-17. Review status: criteria provided, single submitter. Criteria: GeneDx Variant Classification Process June 2021. Collection method: clinical testing. Allele origin: germline. Affected: yes.
Comment: Not observed at significant frequency in large population cohorts (gnomAD); In silico analysis supports that this missense variant does not alter protein structure/function; Has not been previously published as pathogenic or benign to our knowledge